The following is an entry in ClinVar:

ClinVar aggregate classification (germline): Benign. Review status: criteria provided, multiple submitters, no conflicts (2 of 4 stars). 3 submissions from 3 submitters: Benign (3). Last evaluated 2024-07-01.

Allele frequency attached by ClinVar (database versions not stated): 1000 Genomes Project 0.00339; 1000 Genomes Project 30x 0.00390; gnomAD 0.00863; TOPMed 0.00864; ESP Exome Variant Server 0.00991.
gnomAD v4.1: 20,154 of 1,610,034 alleles (1.3%); highest among the groups gnomAD compares: Non-Finnish European, 1.5%; 168 homozygotes.

Submissions (3):

CeGaT Center for Human Genetics Tuebingen
Classification: Benign. Last evaluated: 2024-07-01. Review status: criteria provided, single submitter. Criteria: CeGaT Center For Human Genetics Tuebingen Variant Classification Criteria Version 2. Collection method: clinical testing. Allele origin: germline. Affected: yes. Observed: 38 variant alleles.
Comment: LINGO1: BP4, BP7, BS1, BS2

Labcorp Genetics (formerly Invitae), Labcorp
Classification: Benign. Last evaluated: 2019-12-31. Review status: criteria provided, single submitter. Criteria: Invitae Variant Classification Sherloc (09022015). Collection method: clinical testing. Allele origin: germline.

Breakthrough Genomics
Classification: Benign. Review status: criteria provided, single submitter. Criteria: ACMG Guidelines, 2015. Collection method: not provided. Allele origin: germline. Inheritance: Autosomal recessive inheritance. Affected: yes.

NM_032808.7(LINGO1):c.1110G>A (p.Pro370=)

Gene: LINGO1 (leucine rich repeat and Ig domain containing 1; minus strand). Cytogenetic location: 15q24.3.
Variant type: single nucleotide variant.
Coding change: c.1110G>A on transcript NM_032808.7 (MANE Select); coding-DNA position 1110, G replaced by A.
Protein change: p.Pro370=; no amino-acid change (proline 370 retained).
Molecular consequence: synonymous variant.
Genome position (GRCh38, 1-based): chr15:77,614,797, C>T on the plus strand (G>A on the coding strand, the complement: LINGO1 is on the minus strand). VCF-style: chr15-77614797-C-T. GRCh37 (hg19) VCF-style: chr15-77907139-C-T.
Other names: c.1092G>A, p.Pro364= (NM_001301186.2, NM_001301187.2, NM_001301189.2 and 8 more transcripts).
Identifiers: ClinVar variation 771195 (VCV000771195.32), dbSNP rs61737308, ClinGen allele CA7677839.